The following is an entry in ClinVar:

NM_000135.4(FANCA):c.943C>A (p.Pro315Thr)

Gene: FANCA (FA complementation group A; minus strand). Cytogenetic location: 16q24.3.
Variant type: single nucleotide variant.
Coding change: c.943C>A on transcript NM_000135.4 (MANE Select); coding-DNA position 943, C replaced by A.
Protein change: p.Pro315Thr; replaces proline 315 with threonine.
Molecular consequence: missense variant.
Genome position (GRCh38, 1-based): chr16:89,795,969, G>T on the plus strand (C>A on the coding strand, the complement: FANCA is on the minus strand). VCF-style: chr16-89795969-G-T. GRCh37 (hg19) VCF-style: chr16-89862377-G-T.
Other names: c.943C>A, p.Pro315Thr (NM_001286167.3); c.943C>A (NM_000135.3); short protein forms P315T.
Identifiers: ClinVar variation 1984681 (VCV001984681.4), dbSNP rs757389865, ClinGen allele CA397470149.

ClinVar aggregate classification (germline): Uncertain significance. Review status: criteria provided, multiple submitters, no conflicts (2 of 4 stars). 4 submissions from 4 submitters: Uncertain significance (4). Last evaluated 2025-02-11.

Conditions:
Inborn genetic diseases. Identifiers: MedGen C0950123, MeSH D030342.
Fanconi anemia (FA). Also called: Fanconi's anemia. Identifiers: Orphanet 84, MedGen C0015625, MeSH D005199, MONDO:0019391.
Fanconi anemia complementation group A (FANCA). Also called: FANCA-Related Fanconi Anemia; Fanconi anemia, group A. Identifiers: Orphanet 84, MedGen C3469521, MONDO:0009215, OMIM 227650.

gnomAD v4.1: 3 of 1,614,056 alleles (0.00019%); highest among the groups gnomAD compares: Non-Finnish European, 0.00017%; no homozygotes.

Submissions (4):

Quest Diagnostics Nichols Institute San Juan Capistrano
Classification: Uncertain significance. Last evaluated: 2025-02-11. Review status: criteria provided, single submitter. Criteria: Quest Diagnostics criteria. Collection method: clinical testing. Allele origin: unknown.
Comment: The FANCA c.943C>A (p.Pro315Thr) variant has not been reported in individuals with FANCA-related conditions in the published literature. The frequency of this variant in the general population (Genome Aggregation Database) is uninformative in the assessment of its pathogenicity. Analysis of this variant using bioinformatics tools for the prediction of the effect of amino acid changes on protein structure and function yielded predictions that this variant is benign. Based on the available information, we are unable to determine the clinical significance of this variant.

Ambry Genetics
Classification: Uncertain significance for Inborn genetic diseases. Last evaluated: 2025-01-14. Review status: criteria provided, single submitter. Criteria: Ambry Variant Classification Scheme 2023. Collection method: clinical testing. Allele origin: germline.
Comment: The p.P315T variant (also known as c.943C>A), located in coding exon 11 of the FANCA gene, results from a C to A substitution at nucleotide position 943. The proline at codon 315 is replaced by threonine, an amino acid with highly similar properties. This amino acid position is conserved. In addition, this alteration is predicted to be tolerated by in silico analysis. Based on the available evidence, the clinical significance of this variant remains unclear.

Fulgent Genetics
Classification: Uncertain significance for Fanconi anemia complementation group A. Last evaluated: 2024-03-27. Review status: criteria provided, single submitter. Criteria: ACMG Guidelines, 2015. Collection method: clinical testing. Allele origin: germline.

Labcorp Genetics (formerly Invitae), Labcorp
Classification: Uncertain significance for Fanconi anemia. Last evaluated: 2022-06-30. Review status: criteria provided, single submitter. Criteria: Invitae Variant Classification Sherloc (09022015). Collection method: clinical testing. Allele origin: germline.
Comment: This sequence change replaces proline, which is neutral and non-polar, with threonine, which is neutral and polar, at codon 315 of the FANCA protein (p.Pro315Thr). This variant is present in population databases (no rsID available, gnomAD 0.004%). This variant has not been reported in the literature in individuals affected with FANCA-related conditions. Advanced modeling of protein sequence and biophysical properties (such as structural, functional, and spatial information, amino acid conservation, physicochemical variation, residue mobility, and thermodynamic stability) performed at Invitae indicates that this missense variant is not expected to disrupt FANCA protein function. In summary, the available evidence is currently insufficient to determine the role of this variant in disease. Therefore, it has been classified as a Variant of Uncertain Significance.